The following is an entry in ClinVar:

NM_004525.3(LRP2):c.7299C>G (p.Ile2433Met)

Gene: LRP2 (LDL receptor related protein 2; minus strand). Cytogenetic location: 2q31.1.
Variant type: single nucleotide variant.
Coding change: c.7299C>G on transcript NM_004525.3 (MANE Select); coding-DNA position 7299, C replaced by G.
Protein change: p.Ile2433Met; replaces isoleucine 2433 with methionine.
Molecular consequence: missense variant.
Genome position (GRCh38, 1-based): chr2:169,206,421, G>C on the plus strand (C>G on the coding strand, the complement: LRP2 is on the minus strand). VCF-style: chr2-169206421-G-C. GRCh37 (hg19) VCF-style: chr2-170062931-G-C.
Other names: short protein forms I2433M.
Identifiers: ClinVar variation 2092708 (VCV002092708.1), dbSNP rs183171381, ClinGen allele CA1954141.

ClinVar aggregate classification (germline): Uncertain significance (1 of 4 stars; one submission).

Allele frequency attached by ClinVar (database versions not stated): ExAC 0.00001; gnomAD 0.00002; gnomAD exomes 0.00006; 1000 Genomes Project 30x 0.00016; 1000 Genomes Project 0.00020.
gnomAD v4.1: 41 of 1,614,086 alleles (0.0025%); highest among the groups gnomAD compares: East Asian, 0.091%; no homozygotes.

Submission:

Labcorp Genetics (formerly Invitae), Labcorp
Classification: Uncertain significance. Last evaluated: 2022-02-04. Review status: criteria provided, single submitter. Criteria: Invitae Variant Classification Sherloc (09022015). Collection method: clinical testing. Allele origin: germline.
Comment: This sequence change replaces isoleucine, which is neutral and non-polar, with methionine, which is neutral and non-polar, at codon 2433 of the LRP2 protein (p.Ile2433Met). This variant is present in population databases (rs183171381, gnomAD 0.01%). This variant has not been reported in the literature in individuals affected with LRP2-related conditions. Advanced modeling of protein sequence and biophysical properties (such as structural, functional, and spatial information, amino acid conservation, physicochemical variation, residue mobility, and thermodynamic stability) performed at Invitae indicates that this missense variant is not expected to disrupt LRP2 protein function. In summary, the available evidence is currently insufficient to determine the role of this variant in disease. Therefore, it has been classified as a Variant of Uncertain Significance.